The following is an entry in ClinVar:

NM_144997.7(FLCN):c.1277dup (p.His429fs)

Gene: FLCN (folliculin; minus strand). Cytogenetic location: 17p11.2.
Variant type: Duplication.
Coding change: c.1277dup on transcript NM_144997.7 (MANE Select); coding-DNA position 1277, one base duplicated (T; older notation c.1277dupT).
Protein change: p.His429fs; shifts the reading frame from histidine 429.
Molecular consequence: frameshift variant.
Genome position (GRCh38, 1-based): chr17:17,216,403, A duplicated on the plus strand (T on the coding strand, the reverse complement: FLCN is on the minus strand). VCF-style (leftmost placement, unchanged base first): chr17-17216402-G-GA. GRCh37 (hg19) VCF-style: chr17-17119716-G-GA.
Other names: c.1277dupT (NM_144997.5); c.1331dup, p.His447fs (NM_001353229.2); c.1277dup, p.His429fs (NM_001353230.2, NM_001353231.2); short protein forms H447fs, H429fs.
Identifiers: ClinVar variation 3850560 (VCV003850560.1).
Genomic context (GRCh38, chr17:17,216,402, plus strand): 5'-GCGCAGGGCATGGCCCCACAGCCCGCGGGGGCACGCACCTGAGGAGAGCACGTGGGGGGG[G>GA]ATCTGCACGTGCGGGCTGAGCCCCAGGAAGTTGCACCGATAGGCCTCCTCGTACTGGCTG-3'

ClinVar aggregate classification (germline): Pathogenic (1 of 4 stars; one submission).

Conditions:
Hereditary cancer-predisposing syndrome. Also called: Hereditary neoplastic syndrome; Neoplastic Syndromes, Hereditary; Tumor predisposition; Hereditary Cancer Syndrome. Identifiers: Orphanet 140162, MedGen C0027672, MeSH D009386, MONDO:0015356.

Submission:

Ambry Genetics
Classification: Pathogenic for Hereditary cancer-predisposing syndrome. Last evaluated: 2024-12-19. Review status: criteria provided, single submitter. Criteria: Ambry Variant Classification Scheme 2023. Collection method: clinical testing. Allele origin: germline.
Comment: The c.1277dupT pathogenic mutation, located in coding exon 8 of the FLCN gene, results from a duplication of T at nucleotide position 1277, causing a translational frameshift with a predicted alternate stop codon (p.H429Pfs*27). This variant was reported in individual(s) with features consistent with Birt-Hogg-Dube syndrome (Ambry internal data). This alteration is expected to result in loss of function by premature protein truncation or nonsense-mediated mRNA decay. As such, this alteration is interpreted as a disease-causing mutation.